The following is an entry in ClinVar:

NM_004187.5(KDM5C):c.3998C>T (p.Ser1333Phe)

Gene: KDM5C (lysine demethylase 5C; minus strand). Cytogenetic location: Xp11.22.
Variant type: single nucleotide variant.
Coding change: c.3998C>T on transcript NM_004187.5 (MANE Select); coding-DNA position 3998, C replaced by T.
Protein change: p.Ser1333Phe; replaces serine 1333 with phenylalanine.
Molecular consequence: missense variant. On other transcripts: non-coding transcript variant (3).
Genome position (GRCh38, 1-based): chrX:53,194,179, G>A on the plus strand (C>T on the coding strand, the complement: KDM5C is on the minus strand). VCF-style: chrX-53194179-G-A. GRCh37 (hg19) VCF-style: chrX-53223361-G-A.
Other names: c.3797C>T, p.Ser1266Phe (NM_001146702.2); c.3995C>T, p.Ser1332Phe (NM_001282622.3, NM_001353979.2, NM_001353982.2); c.3998C>T, p.Ser1333Phe (NM_001353978.3, NM_001353981.2, NM_001353984.2); short protein forms S1266F, S1332F, S1333F.
Identifiers: ClinVar variation 3343319 (VCV003343319.1).

ClinVar aggregate classification (germline): Uncertain significance (1 of 4 stars; one submission).

gnomAD v4.1: 3 of 1,209,094 alleles (0.00025%); highest among the groups gnomAD compares: Non-Finnish European, 0.00034%; no homozygotes.

Submission:

GeneDx
Classification: Uncertain significance. Last evaluated: 2023-05-05. Review status: criteria provided, single submitter. Criteria: GeneDx Variant Classification Process June 2021. Collection method: clinical testing. Allele origin: germline. Affected: yes.
Comment: In silico analysis supports that this missense variant does not alter protein structure/function; Not observed at significant frequency in large population cohorts (gnomAD); Has not been previously published as pathogenic or benign to our knowledge